The following is an entry in ClinVar:

ClinVar aggregate classification (germline): Conflicting classifications of pathogenicity. Review status: criteria provided, conflicting classifications (1 of 4 stars). 3 submissions from 3 submitters: Uncertain significance (1); Likely benign (1). 1 of the submissions does not count toward it. Last evaluated 2024-09-24.

Conditions:
GLE1-related disorder. Also called: GLE1-related condition; GLE1-related disorders.

Allele frequency attached by ClinVar (database versions not stated): gnomAD exomes below 0.00001.
gnomAD v4.1: 4 of 1,602,282 alleles (0.00025%); highest among the groups gnomAD compares: Non-Finnish European, 0.00026%; no homozygotes.

Submissions (3):

GeneDx
Classification: Uncertain significance. Last evaluated: 2024-09-24. Review status: criteria provided, single submitter. Criteria: GeneDx Variant Classification Process June 2021. Collection method: clinical testing. Allele origin: germline. Affected: yes.
Comment: Not observed at significant frequency in large population cohorts (gnomAD); In silico analysis indicates that this variant does not alter splicing; Has not been previously published as pathogenic or benign to our knowledge

Labcorp Genetics (formerly Invitae), Labcorp
Classification: Likely benign. Last evaluated: 2024-03-21. Review status: criteria provided, single submitter. Criteria: Invitae Variant Classification Sherloc (09022015). Collection method: clinical testing. Allele origin: germline.

PreventionGenetics, part of Exact Sciences
Classification: Likely benign for GLE1-related condition. Last evaluated: 2022-01-31. Review status: no assertion criteria provided. Collection method: clinical testing. Allele origin: germline. Not counted in ClinVar's aggregate classification.
Comment: This variant is classified as likely benign based on ACMG/AMP sequence variant interpretation guidelines (Richards et al. 2015 PMID: 25741868, with internal and published modifications).

NM_001003722.2(GLE1):c.445C>T (p.Leu149=)

Gene: GLE1 (GLE1 RNA export mediator; plus strand). Cytogenetic location: 9q34.11.
Variant type: single nucleotide variant.
Coding change: c.445C>T on transcript NM_001003722.2 (MANE Select); coding-DNA position 445, C replaced by T.
Protein change: p.Leu149=; no amino-acid change (leucine 149 retained).
Molecular consequence: synonymous variant.
Genome position (GRCh38, 1-based): chr9:128,522,680, C>T. VCF-style: chr9-128522680-C-T. GRCh37 (hg19) VCF-style: chr9-131284959-C-T.
Other names: c.445C>T, p.Leu149= (NM_001411013.1, NM_001499.2).
Identifiers: ClinVar variation 2073446 (VCV002073446.7), dbSNP rs1221042697, ClinGen allele CA467280789.